The following is an entry in ClinVar:

NM_000336.3(SCNN1B):c.720C>A (p.Tyr240Ter)

Gene: SCNN1B (sodium channel epithelial 1 subunit beta; plus strand). Cytogenetic location: 16p12.2.
Variant type: single nucleotide variant.
Coding change: c.720C>A on transcript NM_000336.3 (MANE Select); coding-DNA position 720, C replaced by A.
Protein change: p.Tyr240Ter; replaces tyrosine 240 with a stop codon.
Molecular consequence: nonsense.
Genome position (GRCh38, 1-based): chr16:23,355,433, C>A. VCF-style: chr16-23355433-C-A. GRCh37 (hg19) VCF-style: chr16-23366754-C-A.
Other names: c.720C>A, p.Tyr240Ter (NM_001410900.1); short protein forms Y240*.
Identifiers: ClinVar variation 3061303 (VCV003061303.2), dbSNP rs752797855, ClinGen allele CA395115383.

ClinVar aggregate classification (germline): Likely pathogenic (0 of 4 stars; one submission).

Conditions:
SCNN1B-related disorder. Also called: SCNN1B-related condition.

Submission:

PreventionGenetics, part of Exact Sciences
Classification: Likely pathogenic for SCNN1B-related condition. Last evaluated: 2024-02-12. Review status: no assertion criteria provided. Collection method: clinical testing. Allele origin: germline.
Comment: The SCNN1B c.720C>A variant is predicted to result in premature protein termination (p.Tyr240*). To our knowledge, this variant has not been reported in the literature or in a large population database, indicating this variant is rare. Nonsense variants in SCNN1B are expected to be pathogenic. This variant is interpreted as likely pathogenic.